The following is an entry in ClinVar:

ClinVar aggregate classification (germline): Likely pathogenic (1 of 4 stars; one submission).

Conditions:
Galactosylceramide beta-galactosidase deficiency. Also called: Leukodystrophy, Globoid Cell; Krabbe Disease; GALACTOCEREBROSIDASE DEFICIENCY; GALC DEFICIENCY; GLOBOID CELL LEUKOENCEPHALOPATHY. Identifiers: Orphanet 487, MedGen C0023521, MONDO:0009499, OMIM 245200.

Submission:

Rady Children's Institute for Genomic Medicine, Rady Children's Hospital San Diego
Classification: Likely pathogenic for Krabbe disease. Last evaluated: 2024-11-21. Review status: criteria provided, single submitter. Criteria: ACMG Guidelines, 2015. Collection method: clinical testing. Allele origin: germline. Affected: yes.
Comment: The c.767G>A (p.Gly256Glu) variant affects a highly conserved amino acid and is predicted by multiple in silico tools to have a deleterious effect on protein function. This variant has not been previously reported or functionally characterized in the literature to our knowledge. A different amino acid change at the same residue (p.Gly256Ala) have been previously reported as a compound heterozgyous change in an individual with Krabbe disease (PMID: 37434390). The c.767G>A (p.Gly256Glu) variant is absent from the latest version of the gnomAD population database and thus is presumed to be rare. Based on the available evidence, c.767G>A (p.Gly256Glu) is classified as Likely Pathogenic.

Literature cited by the submitters: PubMed 37434390.

NM_000153.4(GALC):c.767G>A (p.Gly256Glu)

Gene: GALC (galactosylceramidase; minus strand). Cytogenetic location: 14q31.3.
Variant type: single nucleotide variant.
Coding change: c.767G>A on transcript NM_000153.4 (MANE Select); coding-DNA position 767, G replaced by A.
Protein change: p.Gly256Glu; replaces glycine 256 with glutamic acid.
Molecular consequence: missense variant. On other transcripts: non-coding transcript variant (1).
Genome position (GRCh38, 1-based): chr14:87,968,476, C>T on the plus strand (G>A on the coding strand, the complement: GALC is on the minus strand). VCF-style: chr14-87968476-C-T. GRCh37 (hg19) VCF-style: chr14-88434820-C-T.
Other names: c.698G>A, p.Gly233Glu (NM_001201401.2); c.689G>A, p.Gly230Glu (NM_001201402.2); c.599G>A, p.Gly200Glu (NM_001424071.1, NM_001424072.1, NM_001424073.1); c.419G>A, p.Gly140Glu (NM_001424074.1, NM_001424075.1); c.134G>A, p.Gly45Glu (NM_001424076.1, NM_001424077.1); short protein forms G140E, G200E, G230E, G233E, G256E, G45E.
Identifiers: ClinVar variation 3773841 (VCV003773841.2).